The following is an entry in ClinVar:

ClinVar aggregate classification (germline): Pathogenic (1 of 4 stars; one submission).

Conditions:
Fanconi anemia complementation group J. Also called: BRIP1-Related Fanconi Anemia. Identifiers: Orphanet 84, MedGen C1836860, MONDO:0012187, OMIM 609054.
Familial cancer of breast. Also called: BREAST CANCER, FAMILIAL; hereditary breast carcinoma; Hereditary breast cancer. Identifiers: Orphanet 227535, MedGen C0346153, MONDO:0016419, OMIM 114480. Disease mechanism: loss of function.

Submission:

Labcorp Genetics (formerly Invitae), Labcorp
Classification: Pathogenic for Familial cancer of breast; Fanconi anemia complementation group J. Last evaluated: 2022-12-08. Review status: criteria provided, single submitter. Criteria: Invitae Variant Classification Sherloc (09022015). Collection method: clinical testing. Allele origin: germline.
Comment: For these reasons, this variant has been classified as Pathogenic. A similar copy number variant has been observed in individual(s) with breast cancer (PMID: 25186627). This variant is a gross deletion of the genomic region encompassing exon(s) 4-5 of the BRIP1 gene. This deletion is out-of-frame, and is expected to create a premature termination codon and result in an absent or disrupted protein product. Loss-of-function variants in BRIP1 are known to be pathogenic (PMID: 16116423, 17033622, 21964575).

Literature cited by the submitters: PubMed 25186627; PubMed 16116423; PubMed 17033622; PubMed 21964575.

NC_000017.10:g.(?_59926480)_(59934602_?)del

Gene: BRIP1 (BRCA1 interacting DNA helicase 1; minus strand). Cytogenetic location: 17q23.2.
Variant type: Deletion.
Identifiers: ClinVar variation 1074436 (VCV001074436.4).